The following is an entry in ClinVar:

ClinVar aggregate classification (germline): Uncertain significance (1 of 4 stars; one submission).

Conditions:
Neuropathy, hereditary sensory and autonomic, type 2A (HSAN2A). Also called: ACROOSTEOLYSIS, GIACCAI TYPE; ACROOSTEOLYSIS, NEUROGENIC; MORVAN DISEASE; NEUROPATHY, CONGENITAL SENSORY; NEUROPATHY, HEREDITARY SENSORY RADICULAR, AUTOSOMAL RECESSIVE; NEUROPATHY, HEREDITARY SENSORY, TYPE IIA. Identifiers: Orphanet 970, MedGen C2752089, MONDO:0024309, OMIM 201300.
Pseudohypoaldosteronism type 2C (PHA2C). Also called: Pseudohypoaldosteronism Type IIC. Identifiers: Orphanet 757, Orphanet 88940, MedGen C1840391, MONDO:0013778, OMIM 614492.

gnomAD v4.1: 2 of 1,614,064 alleles (0.00012%); highest among the groups gnomAD compares: Non-Finnish European, 0.00017%; no homozygotes.

Submission:

Labcorp Genetics (formerly Invitae), Labcorp
Classification: Uncertain significance for Neuropathy, hereditary sensory and autonomic, type 2A; Pseudohypoaldosteronism type 2C. Last evaluated: 2021-05-19. Review status: criteria provided, single submitter. Criteria: Invitae Variant Classification Sherloc (09022015). Collection method: clinical testing. Allele origin: germline.
Comment: In summary, the available evidence is currently insufficient to determine the role of this variant in disease. Therefore, it has been classified as a Variant of Uncertain Significance. This sequence change replaces alanine with threonine at codon 2104 of the WNK1 protein (p.Ala2104Thr). The alanine residue is moderately conserved and there is a small physicochemical difference between alanine and threonine. This variant is not present in population databases (ExAC no frequency). This variant has not been reported in the literature in individuals with WNK1-related conditions. Advanced modeling of protein sequence and biophysical properties (such as structural, functional, and spatial information, amino acid conservation, physicochemical variation, residue mobility, and thermodynamic stability) performed at Invitae indicates that this missense variant is not expected to disrupt WNK1 protein function.

NM_018979.4(WNK1):c.5554G>A (p.Ala1852Thr)

Gene: WNK1 (WNK lysine deficient protein kinase 1; plus strand). Cytogenetic location: 12p13.33.
Variant type: single nucleotide variant.
Coding change: c.5554G>A on transcript NM_018979.4 (MANE Select); coding-DNA position 5554, G replaced by A.
Protein change: p.Ala1852Thr; replaces alanine 1852 with threonine.
Molecular consequence: missense variant.
Genome position (GRCh38, 1-based): chr12:894,606, G>A. VCF-style: chr12-894606-G-A. GRCh37 (hg19) VCF-style: chr12-1003772-G-A.
Other names: c.6334G>A, p.Ala2112Thr (NM_001184985.2); c.4810G>A, p.Ala1604Thr (NM_014823.3); c.6310G>A, p.Ala2104Thr (NM_213655.5); short protein forms A2104T, A2112T, A1604T, A1852T.
Identifiers: ClinVar variation 1374981 (VCV001374981.8), dbSNP rs2154093383, ClinGen allele CA383334254.